The following is an entry in ClinVar:

NM_000702.4(ATP1A2):c.2115+19G>A

Gene: ATP1A2 (ATPase Na+/K+ transporting subunit alpha 2; plus strand). Cytogenetic location: 1q23.2.
Variant type: single nucleotide variant.
Coding change: c.2115+19G>A on transcript NM_000702.4 (MANE Select); 19 bases into the intron after coding-DNA position 2115, G replaced by A.
Molecular consequence: intron variant.
Genome position (GRCh38, 1-based): chr1:160,135,314, G>A. VCF-style: chr1-160135314-G-A. GRCh37 (hg19) VCF-style: chr1-160105104-G-A.
Identifiers: ClinVar variation 380126 (VCV000380126.5), dbSNP rs375635569, ClinGen allele CA1194661.

ClinVar aggregate classification (germline): Likely benign. Review status: criteria provided, multiple submitters, no conflicts (2 of 4 stars). 2 submissions from 2 submitters: Likely benign (2). Last evaluated 2025-10-10.

Conditions:
Familial hemiplegic migraine. Identifiers: MedGen C0338484, MONDO:0000700.

Allele frequency attached by ClinVar (database versions not stated): ExAC 0.00001; gnomAD exomes 0.00001 and 0.00002; gnomAD 0.00002; TOPMed 0.00002; ESP Exome Variant Server 0.00008.
gnomAD v4.1: 30 of 1,614,094 alleles (0.0019%); highest among the groups gnomAD compares: Admixed American, 0.0067%; 1 homozygote.

Submissions (2):

Labcorp Genetics (formerly Invitae), Labcorp
Classification: Likely benign for Familial hemiplegic migraine. Last evaluated: 2025-10-10. Review status: criteria provided, single submitter. Criteria: Invitae Variant Classification Sherloc (09022015). Collection method: clinical testing. Allele origin: germline.

GeneDx
Classification: Likely benign. Last evaluated: 2016-02-04. Review status: criteria provided, single submitter. Criteria: GeneDx Variant Classification (06012015). Collection method: clinical testing. Allele origin: germline. Affected: yes.
Comment: This variant is considered likely benign or benign based on one or more of the following criteria: it is a conservative change, it occurs at a poorly conserved position in the protein, it is predicted to be benign by multiple in silico algorithms, and/or has population frequency not consistent with disease.